The following is an entry in ClinVar:

ClinVar aggregate classification (germline): Likely pathogenic (1 of 4 stars; one submission).

Conditions:
Nemaline myopathy 2 (NEM2). Also called: Nemaline myopathy 2, autosomal recessive. Identifiers: MedGen C1850569, MONDO:0009725, OMIM 256030.

Submission:

Natera, Inc.
Classification: Likely pathogenic for Nemaline myopathy type 2. Last evaluated: 2024-10-07. Review status: criteria provided, single submitter. Criteria: Natera Variant Classification Schema (03/2026). Collection method: clinical testing. Allele origin: germline.
Comment: The c.13604del variant in NEB is a frameshift variant predicted to shift the reading frame beginning at codon 4535 and leads to a stop codon 50 codons downstream. This variant is expected to result in nonsense mediated decay, truncation, or a dysfunctional protein product. This variant is rare in the general population with a frequency below the threshold expected for the associated phenotype(s). Given the available evidence, this variant is classified as Likely Pathogenic.

NM_001164508.2(NEB):c.13604del (p.Lys4535fs)

Gene: NEB (nebulin; minus strand). Cytogenetic location: 2q23.3.
Variant type: Deletion.
Coding change: c.13604del on transcript NM_001164508.2 (MANE Select); coding-DNA position 13604, one base deleted (A; older notation c.13604delA).
Protein change: p.Lys4535fs; shifts the reading frame from lysine 4535.
Molecular consequence: frameshift variant. On other transcripts: intron variant (1).
Genome position (GRCh38, 1-based): chr2:151,600,626, T deleted on the plus strand (A on the coding strand, the reverse complement: NEB is on the minus strand); the first of 5 consecutive T bases (chr2:151,600,626-151,600,630); deleting any one gives the same sequence. VCF-style (leftmost placement, unchanged base first): chr2-151600625-CT-C. GRCh37 (hg19) VCF-style: chr2-152457139-CT-C.
Other names: c.13604del, p.Lys4535fs (NM_001164507.2, NM_001271208.2); c.13600delA, p.Lys4535Argfs (NM_001271208.1); c.11601+9183del (NM_004543.5); short protein forms K4535fs.
Identifiers: ClinVar variation 4814726 (VCV004814726.1).
Genomic context (GRCh38, chr2:151,600,625, plus strand): 5'-AGCGCTGATGGACACCATGTCCACAGGGATGGAGATCTTGGCTTTGTGGTCGTTGTAGGC[CT>C]TTTTGTACAGCCTGTCATTCTGCATCTTCAACACATTTGCTGCCCAAACCAGTTTAGGGT-3'